The following is an entry in ClinVar:

NM_005739.4(RASGRP1):c.1011C>T (p.Tyr337=)

Gene: RASGRP1 (RAS guanyl releasing protein 1; minus strand). Cytogenetic location: 15q14.
Variant type: single nucleotide variant.
Coding change: c.1011C>T on transcript NM_005739.4 (MANE Select); coding-DNA position 1011, C replaced by T.
Protein change: p.Tyr337=; no amino-acid change (tyrosine 337 retained).
Molecular consequence: synonymous variant.
Genome position (GRCh38, 1-based): chr15:38,507,957, G>A on the plus strand (C>T on the coding strand, the complement: RASGRP1 is on the minus strand). VCF-style: chr15-38507957-G-A. GRCh37 (hg19) VCF-style: chr15-38800158-G-A.
Other names: p.Tyr337=; c.1011C>T, p.Tyr337= (NM_001128602.2, NM_001306086.2).
Identifiers: ClinVar variation 1169062 (VCV001169062.11), dbSNP rs55704435, ClinGen allele CA7470977.

ClinVar aggregate classification (germline): Benign/Likely benign. Review status: criteria provided, multiple submitters, no conflicts (2 of 4 stars). 3 submissions from 3 submitters: Benign (2); Likely benign (1). Last evaluated 2026-02-02.

Conditions:
Immunodeficiency 64. Also called: IMMUNODEFICIENCY 64 WITH LYMPHOPROLIFERATION. Identifiers: Orphanet 664699, MedGen C5231402, MONDO:0032803, OMIM 618534.

Allele frequency attached by ClinVar (database versions not stated): gnomAD 0.01131 and 0.01170; TOPMed 0.01138; 1000 Genomes Project 0.00579; gnomAD exomes 0.00905; 1000 Genomes Project 30x 0.00609; ExAC 0.01107; ESP Exome Variant Server 0.01172.
gnomAD v4.1: 24,354 of 1,609,982 alleles (1.5%); highest among the groups gnomAD compares: Non-Finnish European, 1.9%; 232 homozygotes.

Submissions (3):

Labcorp Genetics (formerly Invitae), Labcorp
Classification: Benign. Last evaluated: 2026-02-02. Review status: criteria provided, single submitter. Criteria: Invitae Variant Classification Sherloc (09022015). Collection method: clinical testing. Allele origin: germline.

Mayo Clinic Laboratories, Mayo Clinic
Classification: Benign. Last evaluated: 2023-12-28. Review status: criteria provided, single submitter. Criteria: ACMG Guidelines, 2015. Collection method: clinical testing. Allele origin: germline. Observed: 4 variant alleles.
Comment: BS1, BS2, BP4, BP7

Fulgent Genetics
Classification: Likely benign for Immunodeficiency 64. Last evaluated: 2022-02-07. Review status: criteria provided, single submitter. Criteria: ACMG Guidelines, 2015. Collection method: clinical testing. Allele origin: unknown.